The following is an entry in ClinVar:

ClinVar aggregate classification (germline): Uncertain significance (1 of 4 stars; one submission).

Conditions:
Charcot-Marie-Tooth disease type 4. Also called: Charcot-Marie-Tooth disease, type IV; Charcot-Marie-Tooth, Type 4. Identifiers: Orphanet 64749, MedGen C4082197, MONDO:0018995.

Allele frequency attached by ClinVar (database versions not stated): TOPMed below 0.00001.
gnomAD v4.1: 6 of 1,614,156 alleles (0.00037%); highest among the groups gnomAD compares: Non-Finnish European, 0.00051%; no homozygotes.

Submission:

Labcorp Genetics (formerly Invitae), Labcorp
Classification: Uncertain significance for Charcot-Marie-Tooth disease type 4. Last evaluated: 2018-12-17. Review status: criteria provided, single submitter. Criteria: Invitae Variant Classification Sherloc (09022015). Collection method: clinical testing. Allele origin: germline.
Comment: In summary, the available evidence is currently insufficient to determine the role of this variant in disease. Therefore, it has been classified as a Variant of Uncertain Significance. Algorithms developed to predict the effect of missense changes on protein structure and function (SIFT, PolyPhen-2, Align-GVGD) all suggest that this variant is likely to be tolerated, but these predictions have not been confirmed by published functional studies and their clinical significance is uncertain. This variant has not been reported in the literature in individuals with SBF2-related conditions. This variant is not present in population databases (ExAC no frequency). This sequence change replaces glycine with valine at codon 1712 of the SBF2 protein (p.Gly1712Val). The glycine residue is moderately conserved and there is a moderate physicochemical difference between glycine and valine.

NM_030962.4(SBF2):c.5135G>T (p.Gly1712Val)

Genes: SBF2 (SET binding factor 2; minus strand), SBF2-AS1 (SBF2 antisense RNA 1; plus strand), LOC105369149 (uncharacterized LOC105369149; plus strand). Cytogenetic location: 11p15.4.
Variant type: single nucleotide variant.
Coding change: c.5135G>T on transcript NM_030962.4 (MANE Select); coding-DNA position 5135, G replaced by T.
Protein change: p.Gly1712Val; replaces glycine 1712 with valine.
Molecular consequence: missense variant.
Genome position (GRCh38, 1-based): chr11:9,785,221, C>A on the plus strand (G>T on the coding strand, the complement: SBF2 is on the minus strand). VCF-style: chr11-9785221-C-A. GRCh37 (hg19) VCF-style: chr11-9806768-C-A.
Other names: c.5231G>T, p.Gly1744Val (NM_001386339.1); c.5006G>T, p.Gly1669Val (NM_001386342.1); short protein forms G1712V, G1669V, G1744V.
Identifiers: ClinVar variation 643464 (VCV000643464.9), dbSNP rs757214892, ClinGen allele CA379631637.